The following is an entry in ClinVar:

NM_000178.4(GSS):c.809A>G (p.Tyr270Cys)

Gene: GSS (glutathione synthetase; minus strand). Cytogenetic location: 20q11.22.
Variant type: single nucleotide variant.
Coding change: c.809A>G on transcript NM_000178.4 (MANE Select); coding-DNA position 809, A replaced by G.
Protein change: p.Tyr270Cys; replaces tyrosine 270 with cysteine.
Molecular consequence: missense variant.
Genome position (GRCh38, 1-based): chr20:34,935,601, T>C on the plus strand (A>G on the coding strand, the complement: GSS is on the minus strand). VCF-style: chr20-34935601-T-C. GRCh37 (hg19) VCF-style: chr20-33523404-T-C.
Other names: c.809A>G, p.Tyr270Cys (NM_001322494.1, NM_001322495.1); short protein forms Y270C.
Identifiers: ClinVar variation 3251315 (VCV003251315.1), dbSNP rs1325986563.

ClinVar aggregate classification (germline): Likely pathogenic (1 of 4 stars; one submission).

Conditions:
Glutathione synthetase deficiency with 5-oxoprolinuria. Also called: PYROGLUTAMIC ACIDURIA; 5-Oxoprolinuria; Gluthathione synthetase deficiency; 5-OXOPROLINURIA DUE TO GLUTATHIONE SYNTHETASE DEFICIENCY; Reduced glutathione synthetase level. Identifiers: Orphanet 289846, MedGen C0398746, MONDO:0009947, OMIM 266130, HP:0003343.

Allele frequency attached by ClinVar (database versions not stated): TOPMed below 0.00001; gnomAD exomes 0.00001.

Submission:

Women's Health and Genetics/Laboratory Corporation of America, LabCorp
Classification: Likely pathogenic for Glutathione synthetase deficiency with 5-oxoprolinuria. Last evaluated: 2024-04-12. Review status: criteria provided, single submitter. Criteria: LabCorp Variant Classification Summary - May 2015. Collection method: clinical testing. Allele origin: germline.
Comment: Variant summary: GSS c.809A>G (p.Tyr270Cys) results in a non-conservative amino acid change located in the glutathione synthase, substrate-binding domain (IPR004887) of the encoded protein sequence. Five of five in-silico tools predict a damaging effect of the variant on protein function. The variant allele was found at a frequency of 4e-06 in 251472 control chromosomes (gnomAD). c.809A>G has been reported in the literature in at least one individual affected with Glutathione Synthetase Deficiency who has subsequently been cited by others (e.g. Dahl_1997, Ristoff_2001, Njalsson_2005). At least two publications report experimental evidence evaluating an impact on protein function and found the variant effect results in <5% activity versus the WT protein (Dahl_1997, Njalsson_2004). The following publications have been ascertained in the context of this evaluation (PMID: 9215686, 15056072, 15717202, 11445798). No submitters have cited clinical-significance assessments for this variant to ClinVar. Based on the evidence outlined above, the variant was classified as likely pathogenic.

Literature cited by the submitters: PubMed 15717202; PubMed 15056072; PubMed 11445798; PubMed 9215686.